The following is an entry in ClinVar:

NM_032531.4(KIRREL3):c.2051G>T (p.Gly684Val)

Gene: KIRREL3 (kirre like nephrin family adhesion molecule 3; minus strand). Cytogenetic location: 11q24.2.
Variant type: single nucleotide variant.
Coding change: c.2051G>T on transcript NM_032531.4 (MANE Select); coding-DNA position 2051, G replaced by T.
Protein change: p.Gly684Val; replaces glycine 684 with valine.
Molecular consequence: missense variant.
Genome position (GRCh38, 1-based): chr11:126,424,866, C>A on the plus strand (G>T on the coding strand, the complement: KIRREL3 is on the minus strand). VCF-style: chr11-126424866-C-A. GRCh37 (hg19) VCF-style: chr11-126294761-C-A.
Other names: c.2015G>T, p.Gly672Val (NM_001301097.2); c.2090G>T, p.Gly697Val (NM_001441251.1, NM_001441254.1); c.2159G>T, p.Gly720Val (NM_001441252.1); c.2126G>T, p.Gly709Val (NM_001441253.1); c.2084G>T, p.Gly695Val (NM_001441255.1); c.2054G>T, p.Gly685Val (NM_001441256.1); c.2051G>T, p.Gly684Val (NM_001441257.1, NM_001441258.1); c.2009G>T, p.Gly670Val (NM_001441259.1); and 3 more; short protein forms G622V, G636V, G658V, G670V, G672V, G684V, G685V, G695V.
Identifiers: ClinVar variation 4891329 (VCV004891329.1).

ClinVar aggregate classification (germline): Uncertain significance (1 of 4 stars; one submission).

Submission:

GeneDx
Classification: Uncertain significance. Last evaluated: 2023-02-03. Review status: criteria provided, single submitter. Criteria: GeneDx Variant Classification Process June 2021. Collection method: clinical testing. Allele origin: germline.
Comment: Not observed at significant frequency in large population cohorts (gnomAD); In silico analysis supports that this missense variant does not alter protein structure/function; Has not been previously published as pathogenic or benign to our knowledge; Variants in candidate genes are classified as variants of uncertain significance in accordance with ACMG guidelines (Richards et al., 2015)